The following is an entry in ClinVar:

NM_138576.4(BCL11B):c.1712G>A (p.Gly571Asp)

Gene: BCL11B (BCL11 transcription factor B; minus strand). Cytogenetic location: 14q32.2.
Variant type: single nucleotide variant.
Coding change: c.1712G>A on transcript NM_138576.4 (MANE Select); coding-DNA position 1712, G replaced by A.
Protein change: p.Gly571Asp; replaces glycine 571 with aspartic acid.
Molecular consequence: missense variant.
Genome position (GRCh38, 1-based): chr14:99,175,124, C>T on the plus strand (G>A on the coding strand, the complement: BCL11B is on the minus strand). VCF-style: chr14-99175124-C-T. GRCh37 (hg19) VCF-style: chr14-99641461-C-T.
Other names: c.1709G>A, p.Gly570Asp (NM_001282237.2); c.1496G>A, p.Gly499Asp (NM_001282238.2); c.1499G>A, p.Gly500Asp (NM_022898.3); short protein forms G499D, G500D, G570D, G571D.
Identifiers: ClinVar variation 3719189 (VCV003719189.2).

ClinVar aggregate classification (germline): Uncertain significance (1 of 4 stars; one submission).

gnomAD v4.1: 1 of 1,589,986 alleles (0.000063%); highest among the groups gnomAD compares: Non-Finnish European, 0.000086%; no homozygotes.

Submission:

Labcorp Genetics (formerly Invitae), Labcorp
Classification: Uncertain significance. Last evaluated: 2024-10-02. Review status: criteria provided, single submitter. Criteria: Invitae Variant Classification Sherloc (09022015). Collection method: clinical testing. Allele origin: germline.
Comment: This sequence change replaces glycine, which is neutral and non-polar, with aspartic acid, which is acidic and polar, at codon 571 of the BCL11B protein (p.Gly571Asp). This variant is not present in population databases (gnomAD no frequency). This variant has not been reported in the literature in individuals affected with BCL11B-related conditions. Invitae Evidence Modeling of protein sequence and biophysical properties (such as structural, functional, and spatial information, amino acid conservation, physicochemical variation, residue mobility, and thermodynamic stability) indicates that this missense variant is not expected to disrupt BCL11B protein function with a negative predictive value of 80%. In summary, the available evidence is currently insufficient to determine the role of this variant in disease. Therefore, it has been classified as a Variant of Uncertain Significance.